The following continues an entry in ClinVar:

NM_001267550.2(TTN):c.47315G>A (p.Arg15772Gln)

ClinVar aggregate classification (germline): Conflicting classifications of pathogenicity. Uncertain significance (3); Benign (12); Likely benign (5).

Submissions 18 to 26 of 26:

Laboratory for Molecular Medicine, Mass General Brigham Personalized Medicine
Classification: Likely benign. Last evaluated: 2015-04-09. Review status: criteria provided, single submitter. Criteria: LMM Criteria. Collection method: clinical testing. Allele origin: germline. Observed: 17 variant alleles.
Comment: p.Arg13204Gln in exon 202 of TTN: This variant is not expected to have clinical significance because it has been identified in 0.5% (314/66358) of European chro mosomes by the Exome Aggregation Consortium (ExAC, g; dbSNP rs72677233).

Ambry Genetics
Classification: Likely benign for Cardiovascular phenotype. Last evaluated: 2013-09-24. Review status: criteria provided, single submitter. Criteria: Ambry Autosomal Dominant and X-Linked criteria (10/2015). Collection method: clinical testing. Allele origin: germline. Observed: 1 variant allele.

Biesecker Lab/Clinical Genomics Section, National Institutes of Health
Classification: Benign. Last evaluated: 2013-06-24. Review status: criteria provided, single submitter. Criteria: Ng et al. (Circ Cardiovasc Genet. 2013). Collection method: research. Allele origin: unknown. Observed: 13 variant alleles. Study: ClinSeq.
Comment: The study set was not selected for affection status in relation to any cancer. Pathogenicity categories were based on literature curation. See Pubmed ID:23861362 for details.

Medical sequencing

Clinical Genetics DNA and cytogenetics Diagnostics Lab, Erasmus MC, Erasmus Medical Center
Classification: Benign. Review status: no assertion criteria provided. Collection method: clinical testing. Allele origin: germline. Affected: yes. Study: VKGL Data-share Consensus. Not counted in ClinVar's aggregate classification.

Clinical Genetics, Academic Medical Center
Classification: Benign. Review status: no assertion criteria provided. Collection method: clinical testing. Allele origin: germline. Affected: yes. Study: VKGL Data-share Consensus. Not counted in ClinVar's aggregate classification.

Diagnostic Laboratory, Department of Genetics, University Medical Center Groningen
Classification: Likely benign. Review status: no assertion criteria provided. Collection method: clinical testing. Allele origin: germline. Affected: yes. Study: VKGL Data-share Consensus. Not counted in ClinVar's aggregate classification.

Genome Diagnostics Laboratory, University Medical Center Utrecht
Classification: Likely benign. Review status: no assertion criteria provided. Collection method: clinical testing. Allele origin: germline. Affected: yes. Study: VKGL Data-share Consensus. Not counted in ClinVar's aggregate classification.

Joint Genome Diagnostic Labs from Nijmegen and Maastricht, Radboudumc and MUMC+
Classification: Benign. Review status: no assertion criteria provided. Collection method: clinical testing. Allele origin: germline. Affected: yes. Study: VKGL Data-share Consensus. Not counted in ClinVar's aggregate classification.

Laboratory of Diagnostic Genome Analysis, Leiden University Medical Center (LUMC)
Classification: Likely benign. Review status: no assertion criteria provided. Collection method: clinical testing. Allele origin: germline. Affected: yes. Study: VKGL Data-share Consensus. Not counted in ClinVar's aggregate classification.

Literature cited by the submitters: PubMed 24503780 (cited by Athena Diagnostics and Women's Health and Genetics/Laboratory Corporation of America, LabCorp); PubMed 26516846 (cited by Athena Diagnostics); PubMed 39838281 (cited by Athena Diagnostics).